The following is an entry in ClinVar:

NM_001347721.2(DYRK1A):c.1931A>G (p.His644Arg)

Gene: DYRK1A (dual specificity tyrosine phosphorylation regulated kinase 1A; plus strand). Cytogenetic location: 21q22.13.
Variant type: single nucleotide variant.
Coding change: c.1931A>G on transcript NM_001347721.2 (MANE Select); coding-DNA position 1931, A replaced by G.
Protein change: p.His644Arg; replaces histidine 644 with arginine.
Molecular consequence: missense variant. On other transcripts: 3 prime UTR variant (2).
Genome position (GRCh38, 1-based): chr21:37,512,197, A>G. VCF-style: chr21-37512197-A-G. GRCh37 (hg19) VCF-style: chr21-38884500-A-G.
Other names: c.1844A>G, p.His615Arg (NM_001347723.2); c.1958A>G, p.His653Arg (NM_001396.5); c.*334A>G (NM_101395.2); c.1931A>G, p.His644Arg (NM_001347722.2, NM_130436.2); c.*243A>G (NM_130438.2); short protein forms H615R, H644R, H653R.
Identifiers: ClinVar variation 1710432 (VCV001710432.3), dbSNP rs2518096960, ClinGen allele CA409939906.

ClinVar aggregate classification (germline): Uncertain significance (1 of 4 stars; one submission).

gnomAD v4.1: 1 of 1,613,486 alleles (0.000062%); no homozygotes.

Submission:

Greenwood Genetic Center Diagnostic Laboratories, Greenwood Genetic Center
Classification: Uncertain significance. Last evaluated: 2022-07-15. Review status: criteria provided, single submitter. Criteria: ACMG Guidelines, 2015. Collection method: clinical testing. Allele origin: germline. Affected: yes.
Comment: PM2